The following is an entry in ClinVar:

NM_017671.5(FERMT1):c.524G>A (p.Gly175Asp)

Gene: FERMT1 (FERM domain containing kindlin 1; minus strand). Cytogenetic location: 20p12.3.
Variant type: single nucleotide variant.
Coding change: c.524G>A on transcript NM_017671.5 (MANE Select); coding-DNA position 524, G replaced by A.
Protein change: p.Gly175Asp; replaces glycine 175 with aspartic acid.
Molecular consequence: missense variant.
Genome position (GRCh38, 1-based): chr20:6,112,485, C>T on the plus strand (G>A on the coding strand, the complement: FERMT1 is on the minus strand). VCF-style: chr20-6112485-C-T. GRCh37 (hg19) VCF-style: chr20-6093132-C-T.
Other names: short protein forms G175D.
Identifiers: ClinVar variation 1415729 (VCV001415729.5), dbSNP rs755393121, ClinGen allele CA9758450.

ClinVar aggregate classification (germline): Uncertain significance (1 of 4 stars; one submission).

gnomAD v4.1: 32 of 1,613,664 alleles (0.002%); highest among the groups gnomAD compares: South Asian, 0.034%; no homozygotes.

Submission:

Labcorp Genetics (formerly Invitae), Labcorp
Classification: Uncertain significance. Last evaluated: 2021-08-31. Review status: criteria provided, single submitter. Criteria: Invitae Variant Classification Sherloc (09022015). Collection method: clinical testing. Allele origin: germline.
Comment: This sequence change replaces glycine with aspartic acid at codon 175 of the FERMT1 protein (p.Gly175Asp). The glycine residue is moderately conserved and there is a moderate physicochemical difference between glycine and aspartic acid. This variant is present in population databases (rs755393121, ExAC 0.01%). This variant has not been reported in the literature in individuals affected with FERMT1-related conditions. Algorithms developed to predict the effect of missense changes on protein structure and function are either unavailable or do not agree on the potential impact of this missense change (SIFT: "Tolerated"; PolyPhen-2: "Possibly Damaging"; Align-GVGD: "Class C0"). In summary, the available evidence is currently insufficient to determine the role of this variant in disease. Therefore, it has been classified as a Variant of Uncertain Significance.